The following is an entry in ClinVar:

NM_001370259.2(MEN1):c.981C>G (p.Tyr327Ter)

Gene: MEN1 (menin 1; minus strand). Cytogenetic location: 11q13.1.
Variant type: single nucleotide variant.
Coding change: c.981C>G on transcript NM_001370259.2 (MANE Select); coding-DNA position 981, C replaced by G.
Protein change: p.Tyr327Ter; replaces tyrosine 327 with a stop codon.
Molecular consequence: nonsense.
Genome position (GRCh38, 1-based): chr11:64,806,300, G>C on the plus strand (C>G on the coding strand, the complement: MEN1 is on the minus strand). VCF-style: chr11-64806300-G-C. GRCh37 (hg19) VCF-style: chr11-64573772-G-C.
Other names: c.996C>G, p.Tyr332Ter (NM_000244.4, NM_130800.3, NM_130801.3 and 3 more transcripts); c.981C>G, p.Tyr327Ter (NM_001370251.2, NM_001370260.2, NM_001370261.2 and 1 more transcripts); c.876C>G, p.Tyr292Ter (NM_001370262.2, NM_001370263.2); c.981C>G (NM_130799.2); short protein forms Y332*, Y292*, Y327*.
Identifiers: ClinVar variation 1454647 (VCV001454647.7), dbSNP rs1592643488, ClinGen allele CA381183315.

ClinVar aggregate classification (germline): Pathogenic. Review status: criteria provided, multiple submitters, no conflicts (2 of 4 stars). 2 submissions from 2 submitters: Pathogenic (2). Last evaluated 2025-04-24.

Conditions:
Multiple endocrine neoplasia, type 1 (MEN1). Also called: Endocrine adenomatosis multiple; MEN 1; MEA I; MEN I; WERMER SYNDROME. Identifiers: Orphanet 652, MedGen C0025267, MeSH D018761, MONDO:0007540, OMIM 131100.

Submissions (2):

Quest Diagnostics Nichols Institute San Juan Capistrano
Classification: Pathogenic. Last evaluated: 2025-04-24. Review status: criteria provided, single submitter. Criteria: Quest Diagnostics criteria. Collection method: clinical testing. Allele origin: unknown.
Comment: The MEN1 c.981C>G (p.Tyr327*) variant causes the premature termination of MEN1 protein synthesis. This variant has been reported in the published literature in an individual with a known or suspected diagnosis of multiple endocrine neoplasia type 1 (PMID: 30339208 (2019)). This variant has not been reported in large, multi-ethnic general populations (Genome Aggregation Database). Based on the available information, this variant is classified as pathogenic.

Labcorp Genetics (formerly Invitae), Labcorp
Classification: Pathogenic for Multiple endocrine neoplasia, type 1. Last evaluated: 2024-01-05. Review status: criteria provided, single submitter. Criteria: Invitae Variant Classification Sherloc (09022015). Collection method: clinical testing. Allele origin: germline.
Comment: This sequence change creates a premature translational stop signal (p.Tyr327*) in the MEN1 gene. It is expected to result in an absent or disrupted protein product. Loss-of-function variants in MEN1 are known to be pathogenic (PMID: 12112656, 17853334). This variant is not present in population databases (gnomAD no frequency). This premature translational stop signal has been observed in individual(s) with known or suspected multiple endocrine neoplasia type 1 (MEN1) (PMID: 30339208). ClinVar contains an entry for this variant (Variation ID: 1454647). For these reasons, this variant has been classified as Pathogenic.

Literature cited by the submitters: PubMed 12112656 (cited by Labcorp Genetics (formerly Invitae), Labcorp); PubMed 17853334 (cited by Labcorp Genetics (formerly Invitae), Labcorp); PubMed 30339208 (cited by Labcorp Genetics (formerly Invitae), Labcorp).